The following is an entry in ClinVar:

NM_000057.4(BLM):c.3558+2T>C

Gene: BLM (BLM RecQ like helicase; plus strand). Cytogenetic location: 15q26.1.
Variant type: single nucleotide variant.
Coding change: c.3558+2T>C on transcript NM_000057.4 (MANE Select); the canonical splice donor site of the intron after coding-DNA position 3558, T replaced by C.
Molecular consequence: splice donor variant. On other transcripts: intron variant (1).
Genome position (GRCh38, 1-based): chr15:90,803,722, T>C. VCF-style: chr15-90803722-T-C. GRCh37 (hg19) VCF-style: chr15-91346952-T-C.
Other names: c.3558+2T>C (NM_001287246.2, NM_000057.2); c.2433+2T>C (NM_001287248.2); c.3358+5385T>C (NM_001287247.2).
Identifiers: ClinVar variation 948215 (VCV000948215.11), dbSNP rs1897222054, ClinGen allele CA393847865.

ClinVar aggregate classification (germline): Conflicting classifications of pathogenicity. Review status: criteria provided, conflicting classifications (1 of 4 stars). 3 submissions from 3 submitters: Pathogenic (1); Likely pathogenic (1); Uncertain significance (1). Last evaluated 2026-02-25.

Conditions:
Bloom syndrome (BLM). Also called: Bloom-Torre-Machacek syndrome. Identifiers: Orphanet 125, MedGen C0005859, MONDO:0008876, OMIM 210900.
Hereditary cancer-predisposing syndrome. Also called: Neoplastic Syndromes, Hereditary; Hereditary Cancer Syndrome; Tumor predisposition; Hereditary neoplastic syndrome. Identifiers: Orphanet 140162, MedGen C0027672, MeSH D009386, MONDO:0015356.

Submissions (3):

Myriad Genetics, Inc.
Classification: Likely pathogenic for Bloom syndrome. Last evaluated: 2026-02-25. Review status: criteria provided, single submitter. Criteria: Myriad Autosomal Dominant, Autosomal Recessive and X-Linked Classification Criteria (2023). Collection method: clinical testing. Allele origin: unknown.
Comment: NM_000057.3(BLM):c.3558+2T>C is a variant in a canonical splice site classified as likely pathogenic in the context of Bloom syndrome. c.3558+2T>C has not been observed in cases with relevant disease. Relevant functional assessments of this variant are not available in the literature. c.3558+2T>C has not been observed in referenced population frequency databases. In summary, NM_000057.3(BLM):c.3558+2T>C is a variant in a canonical splice site in a gene where loss of function is a known mechanism of disease and is predicted to disrupt protein function. Please note: this variant was assessed in the context of healthy population screening.

Ambry Genetics
Classification: Uncertain significance for Hereditary cancer-predisposing syndrome. Last evaluated: 2023-05-16. Review status: criteria provided, single submitter. Criteria: Ambry Variant Classification Scheme 2023. Collection method: clinical testing. Allele origin: germline.
Comment: The c.3558+2T>C intronic variant results from a T to C substitution two nucleotides after coding exon 17 in the BLM gene. This nucleotide position is highly conserved in available vertebrate species. In silico splice site analysis predicts that this alteration will weaken the native splice donor site. Alterations that disrupt the canonical splice site are expected to cause aberrant splicing, resulting in an abnormal protein or a transcript that is subject to nonsense-mediated mRNA decay; however, +2T>C alterations are capable of generating wild-type transcripts in some genomic contexts and should be interpreted with caution (Lin JH et al. Hum Mutat. 2019 10;40:1856-1873). Since supporting evidence is limited at this time, the clinical significance of this alteration remains unclear.

Labcorp Genetics (formerly Invitae), Labcorp
Classification: Pathogenic for Bloom syndrome. Last evaluated: 2022-11-15. Review status: criteria provided, single submitter. Criteria: Invitae Variant Classification Sherloc (09022015). Collection method: clinical testing. Allele origin: germline.
Comment: Disruption of this splice site has been observed in individuals with Bloom syndrome (PMID: 17407155; Invitae). For these reasons, this variant has been classified as Pathogenic. Algorithms developed to predict the effect of sequence changes on RNA splicing suggest that this variant may disrupt the consensus splice site. ClinVar contains an entry for this variant (Variation ID: 948215). This variant is not present in population databases (gnomAD no frequency). This sequence change affects a donor splice site in intron 18 of the BLM gene. It is expected to disrupt RNA splicing. Variants that disrupt the donor or acceptor splice site typically lead to a loss of protein function (PMID: 16199547), and loss-of-function variants in BLM are known to be pathogenic (PMID: 17407155).

Literature cited by the submitters: PubMed 17407155 (cited by Labcorp Genetics (formerly Invitae), Labcorp); PubMed 16199547 (cited by Labcorp Genetics (formerly Invitae), Labcorp).